The following is an entry in ClinVar:

ClinVar aggregate classification (germline): Uncertain significance (1 of 4 stars; one submission).

Conditions:
Medulloblastoma (MDB). Also called: Medulloblastoma, somatic; MEDULLOBLASTOMA PREDISPOSITION SYNDROME. Identifiers: Orphanet 616, MedGen C0025149, MeSH D008527, MONDO:0007959, OMIM 155255, HP:0002885.
Gorlin syndrome. Also called: Basal cell nevus syndrome; Nevoid Basal Cell Carcinoma Syndrome. Identifiers: Orphanet 377, MedGen C0004779, MONDO:0007187.

Submission:

Labcorp Genetics (formerly Invitae), Labcorp
Classification: Uncertain significance for Gorlin syndrome; Medulloblastoma. Last evaluated: 2023-03-18. Review status: criteria provided, single submitter. Criteria: Invitae Variant Classification Sherloc (09022015). Collection method: clinical testing. Allele origin: germline.
Comment: This sequence change replaces threonine, which is neutral and polar, with isoleucine, which is neutral and non-polar, at codon 21 of the SUFU protein (p.Thr21Ile). This variant is not present in population databases (gnomAD no frequency). This variant has not been reported in the literature in individuals affected with SUFU-related conditions. An algorithm developed to predict the effect of missense changes on protein structure and function (PolyPhen-2) suggests that this variant is likely to be tolerated. In summary, the available evidence is currently insufficient to determine the role of this variant in disease. Therefore, it has been classified as a Variant of Uncertain Significance.

NM_016169.4(SUFU):c.62C>T (p.Thr21Ile)

Genes: SUFU (SUFU negative regulator of hedgehog signaling; plus strand), LOC130004614 (ATAC-STARR-seq lymphoblastoid silent region 2764; plus strand). Cytogenetic location: 10q24.32.
Variant type: single nucleotide variant.
Coding change: c.62C>T on transcript NM_016169.4 (MANE Select); coding-DNA position 62, C replaced by T.
Protein change: p.Thr21Ile; replaces threonine 21 with isoleucine.
Molecular consequence: missense variant.
Genome position (GRCh38, 1-based): chr10:102,504,214, C>T. VCF-style: chr10-102504214-C-T. GRCh37 (hg19) VCF-style: chr10-104263971-C-T.
Other names: c.62C>T, p.Thr21Ile (NM_001178133.2); short protein forms T21I.
Identifiers: ClinVar variation 2937768 (VCV002937768.3), dbSNP rs2544830615, ClinGen allele CA377886306.